The following is an entry in ClinVar:

NM_001035.3(RYR2):c.4577A>T (p.Glu1526Val)

Gene: RYR2 (ryanodine receptor 2; plus strand). Cytogenetic location: 1q43.
Variant type: single nucleotide variant.
Coding change: c.4577A>T on transcript NM_001035.3 (MANE Select); coding-DNA position 4577, A replaced by T.
Protein change: p.Glu1526Val; replaces glutamic acid 1526 with valine.
Molecular consequence: missense variant.
Genome position (GRCh38, 1-based): chr1:237,595,638, A>T. VCF-style: chr1-237595638-A-T. GRCh37 (hg19) VCF-style: chr1-237758938-A-T.
Other names: short protein forms E1526V.
Identifiers: ClinVar variation 4686244 (VCV004686244.1).

ClinVar aggregate classification (germline): Uncertain significance (1 of 4 stars; one submission).

gnomAD v4.1: 1 of 1,613,012 alleles (0.000062%); highest among the groups gnomAD compares: South Asian, 0.0011%; no homozygotes.

Submission:

GeneDx
Classification: Uncertain significance. Last evaluated: 2025-07-15. Review status: criteria provided, single submitter. Criteria: GeneDx Variant Classification Process June 2021. Collection method: clinical testing. Allele origin: germline. Affected: yes.
Comment: Not observed at significant frequency in large population cohorts (gnomAD); In silico analysis supports that this missense variant has a deleterious effect on protein structure/function; In silico analysis supports a deleterious effect on splicing; Has not been previously published as pathogenic or benign to our knowledge; Not located in one of the three hot-spot regions of the RYR2 gene, where the majority of pathogenic missense variants occur (PMID: 19926015); This variant is associated with the following publications: (PMID: 19926015)